The following is an entry in ClinVar:

NM_181426.2(CCDC39):c.402T>A (p.Cys134Ter)

Gene: CCDC39 (coiled-coil domain 39 molecular ruler complex subunit; minus strand). Cytogenetic location: 3q26.33.
Variant type: single nucleotide variant.
Coding change: c.402T>A on transcript NM_181426.2 (MANE Select); coding-DNA position 402, T replaced by A.
Protein change: p.Cys134Ter; replaces cysteine 134 with a stop codon.
Molecular consequence: nonsense.
Genome position (GRCh38, 1-based): chr3:180,660,684, A>T on the plus strand (T>A on the coding strand, the complement: CCDC39 is on the minus strand). VCF-style: chr3-180660684-A-T. GRCh37 (hg19) VCF-style: chr3-180378472-A-T.
Other names: short protein forms C134*.
Identifiers: ClinVar variation 566549 (VCV000566549.7), dbSNP rs1560092440, ClinGen allele CA355303551.

ClinVar aggregate classification (germline): Pathogenic (1 of 4 stars; one submission).

Conditions:
Primary ciliary dyskinesia. Also called: Ciliary dyskinesia. Identifiers: Orphanet 244, MedGen C0008780, MONDO:0016575, HP:0012265.

Submission:

Labcorp Genetics (formerly Invitae), Labcorp
Classification: Pathogenic for Primary ciliary dyskinesia. Last evaluated: 2024-04-17. Review status: criteria provided, single submitter. Criteria: Invitae Variant Classification Sherloc (09022015). Collection method: clinical testing. Allele origin: germline.
Comment: This sequence change creates a premature translational stop signal (p.Cys134*) in the CCDC39 gene. It is expected to result in an absent or disrupted protein product. Loss-of-function variants in CCDC39 are known to be pathogenic (PMID: 21131972, 23255504). This variant is not present in population databases (gnomAD no frequency). This variant has not been reported in the literature in individuals affected with CCDC39-related conditions. ClinVar contains an entry for this variant (Variation ID: 566549). For these reasons, this variant has been classified as Pathogenic.

Literature cited by the submitters: PubMed 21131972; PubMed 23255504.